The following is an entry in ClinVar:

NM_018026.4(PACS1):c.2294-7_2294-6del

Gene: PACS1 (phosphofurin acidic cluster sorting protein 1; plus strand). Cytogenetic location: 11q13.2.
Variant type: Deletion.
Coding change: c.2294-7_2294-6del on transcript NM_018026.4 (MANE Select); 7 bases into the intron before coding-DNA position 2294 through 6 bases into the intron before coding-DNA position 2294, 2 bases deleted (CT; older notation c.2294-7_2294-6delCT).
Molecular consequence: intron variant.
Genome position (GRCh38, 1-based): chr11:66,239,135-66,239,136, CT deleted. VCF-style (leftmost placement, unchanged base first): chr11-66239134-CCT-C. GRCh37 (hg19) VCF-style: chr11-66006605-CCT-C.
Other names: c.2294-7_2294-6delCT (NM_018026.3).
Identifiers: ClinVar variation 1278159 (VCV001278159.14), dbSNP rs534796219, ClinGen allele CA6116843.

ClinVar aggregate classification (germline): Benign/Likely benign. Review status: criteria provided, multiple submitters, no conflicts (2 of 4 stars). 5 submissions from 5 submitters: Benign (2); Likely benign (3). Last evaluated 2026-02-05.

Conditions:
Schuurs-Hoeijmakers syndrome. Also called: PACS1-Related Neurodevelopmental Disorder. Identifiers: Orphanet 329224, MedGen C3554343, MONDO:0014006, OMIM 615009.
PACS1-related disorder. Also called: PACS1-related condition.

Allele frequency attached by ClinVar (database versions not stated): gnomAD exomes 0.00004 and 0.00009; ExAC 0.00011; ESP Exome Variant Server 0.00024; gnomAD 0.00027 and 0.00029; TOPMed 0.00028; 1000 Genomes Project 0.00060.

Submissions (5):

PreventionGenetics, part of Exact Sciences
Classification: Likely benign for PACS1-related condition. Last evaluated: 2026-02-05. Review status: criteria provided, single submitter. Criteria: ACMG Guidelines, 2015. Collection method: clinical testing. Allele origin: germline.
Comment: This variant is classified as likely benign based on ACMG/AMP sequence variant interpretation guidelines (Richards et al. 2015 PMID: 25741868, with internal and published modifications).

Labcorp Genetics (formerly Invitae), Labcorp
Classification: Benign for Schuurs-Hoeijmakers syndrome. Last evaluated: 2025-11-03. Review status: criteria provided, single submitter. Criteria: Invitae Variant Classification Sherloc (09022015). Collection method: clinical testing. Allele origin: germline.

Blueprint Genetics
Classification: Likely benign. Last evaluated: 2024-08-19. Review status: criteria provided, single submitter. Criteria: ACMG Guidelines, 2015. Collection method: clinical testing. Allele origin: germline.

GeneDx
Classification: Benign. Last evaluated: 2019-06-25. Review status: criteria provided, single submitter. Criteria: GeneDx Variant Classification Process June 2021. Collection method: clinical testing. Allele origin: germline. Affected: yes.

Genetic Services Laboratory, University of Chicago
Classification: Likely benign. Last evaluated: 2019-03-13. Review status: criteria provided, single submitter. Criteria: ACMG Guidelines, 2015. Collection method: clinical testing. Allele origin: germline. Affected: no.